The following is an entry in ClinVar:

ClinVar aggregate classification (germline): Uncertain significance. Review status: criteria provided, multiple submitters, no conflicts (2 of 4 stars). 3 submissions from 3 submitters: Uncertain significance (3). Last evaluated 2022-08-01.

Conditions:
Inborn genetic diseases. Identifiers: MedGen C0950123, MeSH D030342.
Combined oxidative phosphorylation defect type 17. Also called: Combined oxidative phosphorylation deficiency 17. Identifiers: Orphanet 369913, MedGen C3809526, MONDO:0014190, OMIM 615440.

Allele frequency attached by ClinVar (database versions not stated): ExAC 0.00002; gnomAD exomes 0.00002 and 0.00004; TOPMed 0.00002; gnomAD 0.00003 and 0.00004.
gnomAD v4.1: 37 of 1,614,030 alleles (0.0023%); highest among the groups gnomAD compares: Admixed American, 0.0033%; no homozygotes.

Submissions (3):

CeGaT Center for Human Genetics Tuebingen
Classification: Uncertain significance. Last evaluated: 2022-08-01. Review status: criteria provided, single submitter. Criteria: CeGaT Center For Human Genetics Tuebingen Variant Classification Criteria Version 2. Collection method: clinical testing. Allele origin: germline. Affected: yes. Observed: 1 variant allele.
Comment: ELAC2: PM2:Supporting

Labcorp Genetics (formerly Invitae), Labcorp
Classification: Uncertain significance for Combined oxidative phosphorylation defect type 17. Last evaluated: 2022-07-19. Review status: criteria provided, single submitter. Criteria: Invitae Variant Classification Sherloc (09022015). Collection method: clinical testing. Allele origin: germline.
Comment: This sequence change replaces asparagine, which is neutral and polar, with aspartic acid, which is acidic and polar, at codon 107 of the ELAC2 protein (p.Asn107Asp). This variant is present in population databases (rs781676615, gnomAD 0.007%). This variant has not been reported in the literature in individuals affected with ELAC2-related conditions. ClinVar contains an entry for this variant (Variation ID: 1345785). Algorithms developed to predict the effect of missense changes on protein structure and function are either unavailable or do not agree on the potential impact of this missense change (SIFT: "Tolerated"; PolyPhen-2: "Probably Damaging"; Align-GVGD: "Class C0"). In summary, the available evidence is currently insufficient to determine the role of this variant in disease. Therefore, it has been classified as a Variant of Uncertain Significance.

Ambry Genetics
Classification: Uncertain significance for Inborn genetic diseases. Last evaluated: 2021-09-14. Review status: criteria provided, single submitter. Criteria: Ambry Variant Classification Scheme 2023. Collection method: clinical testing. Allele origin: germline.

NM_018127.7(ELAC2):c.319A>G (p.Asn107Asp)

Gene: ELAC2 (elaC ribonuclease Z 2; minus strand). Cytogenetic location: 17p12.
Variant type: single nucleotide variant.
Coding change: c.319A>G on transcript NM_018127.7 (MANE Select); coding-DNA position 319, A replaced by G.
Protein change: p.Asn107Asp; replaces asparagine 107 with aspartic acid.
Molecular consequence: missense variant.
Genome position (GRCh38, 1-based): chr17:13,016,910, T>C on the plus strand (A>G on the coding strand, the complement: ELAC2 is on the minus strand). VCF-style: chr17-13016910-T-C. GRCh37 (hg19) VCF-style: chr17-12920227-T-C.
Other names: c.319A>G, p.Asn107Asp (NM_001165962.2, NM_173717.2); c.319A>G (NM_018127.6); short protein forms N107D.
Identifiers: ClinVar variation 1345785 (VCV001345785.27), dbSNP rs781676615, ClinGen allele CA8401721.